The following is an entry in ClinVar:

ClinVar aggregate classification (germline): Uncertain significance (1 of 4 stars; one submission).

Conditions:
Intellectual developmental disorder, X-linked, syndromic, Claes-Jensen type. Also called: Syndromic X-linked intellectual disability Claes-Jensen type; INTELLECTUAL DEVELOPMENTAL DISORDER, X-LINKED, SYNDROMIC 16; MENTAL RETARDATION, X-LINKED, SYNDROMIC 16. Identifiers: Orphanet 85279, MedGen C1845243, MONDO:0010355, OMIM 300534.

Submission:

Victorian Clinical Genetics Services, Murdoch Childrens Research Institute
Classification: Uncertain significance for Intellectual developmental disorder, X-linked, syndromic, Claes-Jensen type. Last evaluated: 2022-02-02. Review status: criteria provided, single submitter. Criteria: ACMG Guidelines, 2015. Collection method: clinical testing. Allele origin: germline. Inheritance: X-linked recessive inheritance.
Comment: Based on the classification scheme VCGS_Germline_v1.3.4, this variant is classified as VUS-3B. Following criteria are met: 0102 - Loss of function is a known mechanism of disease in this gene and is associated with KDM5C-related intellectual disability, syndromic, Claes-Jensen type (MIM# 300534). (I) 0109 - This gene is associated with X-linked recessive disease. (I) 0200 - Variant is predicted to result in a missense amino acid change from valine to alanine. (I) 0253 - This variant is hemizygous. (I) 0301 - Variant is absent from gnomAD (both v2 and v3). (SP) 0503 - Missense variant consistently predicted to be tolerated by multiple in silico tools or not conserved in placental mammals with a minor amino acid change. (SB) 0603 - Missense variant in a region that is highly intolerant to missense variation (high constraint region in DECIPHER). (SP) 0705 - No comparable missense variants have previous evidence for pathogenicity. (I) 0807 - This variant has no previous evidence of pathogenicity. (I) 0905 - No published segregation evidence has been identified for this variant. (I) 1007 - No published functional evidence has been identified for this variant. (I) Legend: (SP) - Supporting pathogenic, (I) - Information, (SB) - Supporting benign

NM_004187.5(KDM5C):c.359T>C (p.Val120Ala)

Gene: KDM5C (lysine demethylase 5C; minus strand). Cytogenetic location: Xp11.22.
Variant type: single nucleotide variant.
Coding change: c.359T>C on transcript NM_004187.5 (MANE Select); coding-DNA position 359, T replaced by C.
Protein change: p.Val120Ala; replaces valine 120 with alanine.
Molecular consequence: missense variant. On other transcripts: non-coding transcript variant (3).
Genome position (GRCh38, 1-based): chrX:53,217,959, A>G on the plus strand (T>C on the coding strand, the complement: KDM5C is on the minus strand). VCF-style: chrX-53217959-A-G. GRCh37 (hg19) VCF-style: chrX-53247141-A-G.
Other names: c.158T>C, p.Val53Ala (NM_001146702.2); c.359T>C, p.Val120Ala (NM_001282622.3, NM_001353978.3, NM_001353979.2 and 3 more transcripts); short protein forms V120A, V53A.
Identifiers: ClinVar variation 1699460 (VCV001699460.3), dbSNP rs2146951019, ClinGen allele CA413131296.